The following is an entry in ClinVar:

NM_000046.5(ARSB):c.1142+2T>C

Gene: ARSB (arylsulfatase B; minus strand). Cytogenetic location: 5q14.1.
Variant type: single nucleotide variant.
Coding change: c.1142+2T>C on transcript NM_000046.5 (MANE Select); the canonical splice donor site of the intron after coding-DNA position 1142, T replaced by C.
Molecular consequence: splice donor variant.
Genome position (GRCh38, 1-based): chr5:78,885,582, A>G on the plus strand (T>C on the coding strand, the complement: ARSB is on the minus strand). VCF-style: chr5-78885582-A-G. GRCh37 (hg19) VCF-style: chr5-78181405-A-G.
Other names: c.1142+2T>C (NM_198709.3).
Identifiers: ClinVar variation 559680 (VCV000559680.4), dbSNP rs781510986, ClinGen allele CA3318114.

ClinVar aggregate classification (germline): Pathogenic. Review status: criteria provided, multiple submitters, no conflicts (2 of 4 stars). 2 submissions from 2 submitters: Pathogenic (2). Last evaluated 2023-03-16.

Conditions:
Mucopolysaccharidosis type 6 (MPS6). Also called: N-ACETYLGALACTOSAMINE-4-SULFATASE DEFICIENCY; MPS VI; MPS 6; Maroteaux Lamy syndrome; ARSB DEFICIENCY; ARYLSULFATASE B DEFICIENCY. Identifiers: Orphanet 583, MedGen C0026709, MONDO:0009661, OMIM 253200.

Allele frequency attached by ClinVar (database versions not stated): gnomAD exomes below 0.00001 and 0.00001; ExAC 0.00001.
gnomAD v4.1: 2 of 1,613,400 alleles (0.00012%); highest among the groups gnomAD compares: South Asian, 0.0022%; no homozygotes.

Submissions (2):

Labcorp Genetics (formerly Invitae), Labcorp
Classification: Pathogenic for Mucopolysaccharidosis type 6. Last evaluated: 2023-03-16. Review status: criteria provided, single submitter. Criteria: Invitae Variant Classification Sherloc (09022015). Collection method: clinical testing. Allele origin: germline.
Comment: Studies have shown that disruption of this splice site results in activation of a cryptic splice site and introduces a premature termination codon (PMID: 33209960). The resulting mRNA is expected to undergo nonsense-mediated decay. This sequence change affects a donor splice site in intron 5 of the ARSB gene. RNA analysis indicates that disruption of this splice site induces altered splicing and may result in an absent or disrupted protein product. This variant is present in population databases (rs781510986, gnomAD 0.006%). Disruption of this splice site has been observed in individuals with mucopolysaccharidosis type VI (PMID: 23557332, 30524696). ClinVar contains an entry for this variant (Variation ID: 559680). For these reasons, this variant has been classified as Pathogenic.

Laboratory of Diagnosis and Therapy of Lysosomal Disorders, University of Padova
Classification: Pathogenic for Mucopolysaccharidosis type 6. Last evaluated: 2018-01-01. Review status: criteria provided, single submitter. Criteria: ACMG Guidelines, 2015. Collection method: curation. Allele origin: germline. Affected: yes.
Comment: Splicing variant in canonical site (PVS1); In vitro functional studies supportive of a damaging effect on the gene product (demonstrated nonsense mediated RNA decay; PS3); Very low frequency in ExAC (PM2)

Literature cited by the submitters: PubMed 33209960 (cited by Labcorp Genetics (formerly Invitae), Labcorp); PubMed 23557332 (cited by Labcorp Genetics (formerly Invitae), Labcorp); PubMed 30524696 (cited by Labcorp Genetics (formerly Invitae), Labcorp); PubMed 18406185 (cited by Laboratory of Diagnosis and Therapy of Lysosomal Disorders, University of Padova); PubMed 28552677 (cited by Laboratory of Diagnosis and Therapy of Lysosomal Disorders, University of Padova); PubMed 23949968 (cited by Laboratory of Diagnosis and Therapy of Lysosomal Disorders, University of Padova); PubMed 30118150 (cited by Laboratory of Diagnosis and Therapy of Lysosomal Disorders, University of Padova).